The following is an entry in ClinVar:

NM_002764.4(PRPS1):c.434del (p.Leu145fs)

Gene: PRPS1 (phosphoribosyl pyrophosphate synthetase 1; plus strand). Cytogenetic location: Xq22.3.
Variant type: Deletion.
Coding change: c.434del on transcript NM_002764.4 (MANE Select); coding-DNA position 434, one base deleted (T; older notation c.434delT).
Protein change: p.Leu145fs; shifts the reading frame from leucine 145.
Molecular consequence: frameshift variant. On other transcripts: intron variant (1).
Genome position (GRCh38, 1-based): chrX:107,642,394, T deleted; the last of 3 consecutive T bases (chrX:107,642,392-107,642,394); deleting any one gives the same sequence. VCF-style (leftmost placement, unchanged base first): chrX-107642391-AT-A. GRCh37 (hg19) VCF-style: chrX-106885621-AT-A.
Other names: c.-82-2783del (NM_001204402.2); c.434delT (NM_002764.4); short protein forms L145fs.
Identifiers: ClinVar variation 5021478 (VCV005021478.1).

ClinVar aggregate classification (germline): Pathogenic (1 of 4 stars; one submission).

Conditions:
Arts syndrome (ARTS). Also called: MENTAL RETARDATION, X-LINKED, SYNDROMIC 18; MENTAL RETARDATION, X-LINKED, SYNDROMIC, ARTS TYPE; ARTS SYNDROME AND PHOSPHORIBOSYLPYROPHOSPHATE SYNTHETASE SUPERACTIVITY. Identifiers: Orphanet 1187, MedGen C0796028, MONDO:0010533, OMIM 301835.

Submission:

Ningxia Clinical Research Institute, People's Hospital of Ningxia Hui Autonomous Region
Classification: Pathogenic for Arts syndrome. Review status: criteria provided, single submitter. Criteria: ACMG Guidelines, 2015. Collection method: clinical testing. Allele origin: de novo. Inheritance: X-linked recessive inheritance. Affected: yes. Observed: 1 variant allele, 1 hemizygote.
Comment: The p.Leu145CysfsTer8 variant is a frameshift variant and is predicted to trigger nonsense-mediated mRNA decay (NMD), resulting in loss of function (LOF) (PVS1). The variant was extremely rare or absent in Asian and global population datasets from the Genome Aggregation Database (gnomAD v4.1.0), the 1000 Genomes Project and the Exome Aggregation Consortium (ExAC) (PM2). Under the American College of Medical Genetics and Genomics/Association for Molecular Pathology (ACMG/AMP) variant interpretation framework, this variant is classified as pathogenic on the basis of PVS1 + PS2 + PM2 + PP4.